The following is an entry in ClinVar:

ClinVar aggregate classification (germline): Uncertain significance (1 of 4 stars; one submission).

Conditions:
Developmental delay with or without epilepsy (DEVEP). Identifiers: MedGen C5882702, MONDO:0957815, OMIM 620540.

Submission:

OLLIN Analises Genomicas, OLLIN
Classification: Uncertain significance for Developmental delay with or without epilepsy. Last evaluated: 2026-08-06. Review status: criteria provided, single submitter. Criteria: ACMG Guidelines 2015 PMID 25741868. Collection method: clinical testing. Allele origin: germline. Inheritance: Autosomal dominant inheritance.
Comment: This missense variant, located in exon 33 (of 57), is absent from gnomAD and ClinVar and has not been identified in the literature. In silico analysis predicts that this variant has a tolerated effect. This gene is constrained for missense variation. According to the currently available evidence, this variant has been classified as uncertain significance (PM2_P, PP2, BP4_M).

NM_001130438.3(SPTAN1):c.4224C>A (p.His1408Gln)

Gene: SPTAN1 (spectrin alpha, non-erythrocytic 1; plus strand). Cytogenetic location: 9q34.11.
Variant type: single nucleotide variant.
Coding change: c.4224C>A on transcript NM_001130438.3 (MANE Select); coding-DNA position 4224, C replaced by A.
Protein change: p.His1408Gln; replaces histidine 1408 with glutamine.
Molecular consequence: missense variant.
Genome position (GRCh38, 1-based): chr9:128,607,929, C>A. VCF-style: chr9-128607929-C-A. GRCh37 (hg19) VCF-style: chr9-131370208-C-A.
Other names: c.4164C>A, p.His1388Gln (NM_001195532.2, NM_001363765.2, NM_001375314.2 and 3 more transcripts); c.4224C>A, p.His1408Gln (NM_001363759.2, NM_001375310.1, NM_001375311.2 and 4 more transcripts); c.4260C>A, p.His1420Gln (NM_001375312.2, NM_001375318.1, NM_001438440.1); short protein forms H1408Q, H1420Q, H1388Q.
Identifiers: ClinVar variation 5002685 (VCV005002685.1).